The following is an entry in ClinVar:

ClinVar aggregate classification (germline): Uncertain significance (1 of 4 stars; one submission).

Conditions:
POLD1-related polyposis and colorectal cancer syndrome (CRCS10). Also called: Colorectal cancer 10; COLORECTAL CANCER, SUSCEPTIBILITY TO, ON CHROMOSOME 19q; Colorectal cancer, susceptibility to, 10. Identifiers: Orphanet 220460, MedGen C2675481, MONDO:0012953, OMIM 612591.

Submission:

Labcorp Genetics (formerly Invitae), Labcorp
Classification: Uncertain significance for POLD1-related polyposis and colorectal cancer syndrome. Last evaluated: 2023-07-08. Review status: criteria provided, single submitter. Criteria: Invitae Variant Classification Sherloc (09022015). Collection method: clinical testing. Allele origin: germline.
Comment: This variant has not been reported in the literature in individuals affected with POLD1-related conditions. This sequence change replaces tyrosine, which is neutral and polar, with cysteine, which is neutral and slightly polar, at codon 801 of the POLD1 protein (p.Tyr801Cys). This variant is not present in population databases (gnomAD no frequency). ClinVar contains an entry for this variant (Variation ID: 2128755). Advanced modeling of protein sequence and biophysical properties (such as structural, functional, and spatial information, amino acid conservation, physicochemical variation, residue mobility, and thermodynamic stability) performed at Invitae indicates that this missense variant is expected to disrupt POLD1 protein function. In summary, the available evidence is currently insufficient to determine the role of this variant in disease. Therefore, it has been classified as a Variant of Uncertain Significance.

NM_002691.4(POLD1):c.2402A>G (p.Tyr801Cys)

Gene: POLD1 (DNA polymerase delta 1, catalytic subunit; plus strand). Cytogenetic location: 19q13.33.
Variant type: single nucleotide variant.
Coding change: c.2402A>G on transcript NM_002691.4 (MANE Select); coding-DNA position 2402, A replaced by G.
Protein change: p.Tyr801Cys; replaces tyrosine 801 with cysteine.
Molecular consequence: missense variant. On other transcripts: non-coding transcript variant (1).
Genome position (GRCh38, 1-based): chr19:50,414,828, A>G. VCF-style: chr19-50414828-A-G. GRCh37 (hg19) VCF-style: chr19-50918085-A-G.
Other names: c.2402A>G, p.Tyr801Cys (NM_001256849.1); c.2480A>G, p.Tyr827Cys (NM_001308632.1); short protein forms Y827C, Y801C.
Identifiers: ClinVar variation 2128755 (VCV002128755.4), dbSNP rs2514047014, ClinGen allele CA406984553.
Genomic context (GRCh38, chr19:50,414,828, plus strand): 5'-GGCTTGGCCTCCTCAGGCTCAGGGTCTTGGCCATGGCTCCCTCCCAGGTCTACTTCCCAT[A>G]CCTGCTTATCAGCAAGAAGCGCTACGCGGGCCTGCTCTTCTCCTCCCGGCCCGACGCCCA-3'
Protein context (NP_002682.2, residues 791-811): RLEFEKVYFP[Tyr801Cys]LLISKKRYAG